The following is an entry in ClinVar:

NM_001205293.3(CACNA1E):c.1423T>A (p.Ser475Thr)

Gene: CACNA1E (calcium voltage-gated channel subunit alpha1 E; plus strand). Cytogenetic location: 1q25.3.
Variant type: single nucleotide variant.
Coding change: c.1423T>A on transcript NM_001205293.3 (MANE Select); coding-DNA position 1423, T replaced by A.
Protein change: p.Ser475Thr; replaces serine 475 with threonine.
Molecular consequence: missense variant.
Genome position (GRCh38, 1-based): chr1:181,717,200, T>A. VCF-style: chr1-181717200-T-A. GRCh37 (hg19) VCF-style: chr1-181686336-T-A.
Other names: c.1423T>A, p.Ser475Thr (NM_000721.4, NM_001205294.2); short protein forms S475T.
Identifiers: ClinVar variation 1699789 (VCV001699789.2), dbSNP rs2102461566, ClinGen allele CA343625120.

ClinVar aggregate classification (germline): Uncertain significance (1 of 4 stars; one submission).

Submission:

GeneDx
Classification: Uncertain significance. Last evaluated: 2022-01-26. Review status: criteria provided, single submitter. Criteria: GeneDx Variant Classification Process June 2021. Collection method: clinical testing. Allele origin: germline. Affected: yes.
Comment: Not observed at significant frequency in large population cohorts (gnomAD); In silico analysis supports that this missense variant does not alter protein structure/function; Has not been previously published as pathogenic or benign to our knowledge